The following is an entry in ClinVar:

ClinVar aggregate classification (germline): Uncertain significance. Review status: criteria provided, multiple submitters, no conflicts (2 of 4 stars). 5 submissions from 5 submitters: Uncertain significance (5). Last evaluated 2026-04-30.

Conditions:
Fanconi renotubular syndrome 2 (FRTS2). Identifiers: MedGen C3150652, MONDO:0013247, OMIM 613388.
Hypophosphatemic nephrolithiasis/osteoporosis 1. Identifiers: Orphanet 244305, MedGen C2676786, MONDO:0012850, OMIM 612286.
Hypercalcemia, infantile, 2 (HCINF2). Identifiers: Orphanet 300547, MedGen C4310473, MONDO:0014851, OMIM 616963.
SLC34A1-related disorder. Also called: SLC34A1-related disorders; SLC34A1-related condition.
Inborn genetic diseases. Identifiers: MedGen C0950123, MeSH D030342.

Allele frequency attached by ClinVar (database versions not stated): ExAC 0.00001; gnomAD exomes 0.00001; TOPMed 0.00001.

Submissions (5):

PreventionGenetics, part of Exact Sciences
Classification: Uncertain significance for SLC34A1-related condition. Last evaluated: 2026-04-30. Review status: criteria provided, single submitter. Criteria: ACMG Guidelines, 2015. Collection method: clinical testing. Allele origin: germline.
Comment: The SLC34A1 c.94G>A variant is predicted to result in the amino acid substitution p.Val32Met. To our knowledge, this variant has not been reported in the literature. This variant is reported in 0.0098% of alleles in individuals of Ashkenazi Jewish descent in gnomAD. At this time, the clinical significance of this variant is uncertain due to the absence of conclusive functional and genetic evidence.

Ambry Genetics
Classification: Uncertain significance for Inborn genetic diseases. Last evaluated: 2022-12-01. Review status: criteria provided, single submitter. Criteria: Ambry Variant Classification Scheme 2023. Collection method: clinical testing. Allele origin: germline.

Labcorp Genetics (formerly Invitae), Labcorp
Classification: Uncertain significance. Last evaluated: 2022-07-06. Review status: criteria provided, single submitter. Criteria: Invitae Variant Classification Sherloc (09022015). Collection method: clinical testing. Allele origin: germline.
Comment: This sequence change replaces valine, which is neutral and non-polar, with methionine, which is neutral and non-polar, at codon 32 of the SLC34A1 protein (p.Val32Met). This variant is present in population databases (rs778803636, gnomAD 0.01%). This variant has not been reported in the literature in individuals affected with SLC34A1-related conditions. ClinVar contains an entry for this variant (Variation ID: 904292). Algorithms developed to predict the effect of missense changes on protein structure and function output the following: SIFT: "Tolerated"; PolyPhen-2: "Possibly Damaging"; Align-GVGD: "Class C0". The methionine amino acid residue is found in multiple mammalian species, which suggests that this missense change does not adversely affect protein function. In summary, the available evidence is currently insufficient to determine the role of this variant in disease. Therefore, it has been classified as a Variant of Uncertain Significance.

Fulgent Genetics
Classification: Uncertain significance for Hypophosphatemic nephrolithiasis/osteoporosis 1; Fanconi renotubular syndrome 2; Hypercalcemia, infantile, 2. Last evaluated: 2021-10-25. Review status: criteria provided, single submitter. Criteria: ACMG Guidelines, 2015. Collection method: clinical testing. Allele origin: unknown.

Illumina Laboratory Services, Illumina
Classification: Uncertain significance for Hypophosphatemic nephrolithiasis/osteoporosis 1. Last evaluated: 2018-01-12. Review status: criteria provided, single submitter. Criteria: ICSL Variant Classification Criteria 13 December 2019. Collection method: clinical testing. Allele origin: germline.

NM_003052.5(SLC34A1):c.94G>A (p.Val32Met)

Gene: SLC34A1 (solute carrier family 34 member 1; plus strand). Cytogenetic location: 5q35.3.
Variant type: single nucleotide variant.
Coding change: c.94G>A on transcript NM_003052.5 (MANE Select); coding-DNA position 94, G replaced by A.
Protein change: p.Val32Met; replaces valine 32 with methionine.
Molecular consequence: missense variant.
Genome position (GRCh38, 1-based): chr5:177,385,835, G>A. VCF-style: chr5-177385835-G-A. GRCh37 (hg19) VCF-style: chr5-176812836-G-A.
Other names: c.94G>A, p.Val32Met (NM_001167579.2); short protein forms V32M.
Identifiers: ClinVar variation 904292 (VCV000904292.8), dbSNP rs778803636, ClinGen allele CA3580238.